The following is an entry in ClinVar:

NM_000256.3(MYBPC3):c.3379C>T (p.Pro1127Ser)

Gene: MYBPC3 (myosin binding protein C3; minus strand). Cytogenetic location: 11p11.2.
Variant type: single nucleotide variant.
Coding change: c.3379C>T on transcript NM_000256.3 (MANE Select); coding-DNA position 3379, C replaced by T.
Protein change: p.Pro1127Ser; replaces proline 1127 with serine.
Molecular consequence: missense variant.
Genome position (GRCh38, 1-based): chr11:47,332,925, G>A on the plus strand (C>T on the coding strand, the complement: MYBPC3 is on the minus strand). VCF-style: chr11-47332925-G-A. GRCh37 (hg19) VCF-style: chr11-47354476-G-A.
Other names: short protein forms P1127S.
Identifiers: ClinVar variation 924504 (VCV000924504.15), dbSNP rs1488618086, ClinGen allele CA380313716.

ClinVar aggregate classification (germline): Conflicting classifications of pathogenicity. Review status: criteria provided, conflicting classifications (1 of 4 stars). 4 submissions from 4 submitters: Uncertain significance (2); Likely benign (2). Last evaluated 2025-06-10.

Conditions:
Hypertrophic cardiomyopathy. Also called: HYPERTROPHIC MYOCARDIOPATHY. Identifiers: Orphanet 217569, MedGen C0007194, MeSH D002312, MONDO:0005045, HP:0001639.
Cardiovascular phenotype. Identifiers: MedGen CN230736.
Cardiomyopathy (CMYO). Also called: Cardiomyopathies. Identifiers: Orphanet 167848, MedGen C0878544, MONDO:0004994, HP:0001638. Inheritance: Various modes of inheritance.

Allele frequency attached by ClinVar (database versions not stated): TOPMed below 0.00001; gnomAD exomes 0.00001.
gnomAD v4.1: 11 of 1,610,406 alleles (0.00068%); highest among the groups gnomAD compares: Middle Eastern, 0.017%; no homozygotes.

Submissions (4):

Ambry Genetics
Classification: Likely benign for Cardiovascular phenotype. Last evaluated: 2025-06-10. Review status: criteria provided, single submitter. Criteria: Ambry Variant Classification Scheme 2023. Collection method: clinical testing. Allele origin: germline.

Labcorp Genetics (formerly Invitae), Labcorp
Classification: Uncertain significance for Hypertrophic cardiomyopathy. Last evaluated: 2024-12-07. Review status: criteria provided, single submitter. Criteria: Invitae Variant Classification Sherloc (09022015). Collection method: clinical testing. Allele origin: germline.
Comment: This sequence change replaces proline, which is neutral and non-polar, with serine, which is neutral and polar, at codon 1127 of the MYBPC3 protein (p.Pro1127Ser). The frequency data for this variant in the population databases is considered unreliable, as metrics indicate poor data quality at this position in the gnomAD database. This variant has not been reported in the literature in individuals affected with MYBPC3-related conditions. ClinVar contains an entry for this variant (Variation ID: 924504). An algorithm developed to predict the effect of missense changes on protein structure and function outputs the following: PolyPhen-2: "Benign". The serine amino acid residue is found in multiple mammalian species, which suggests that this missense change does not adversely affect protein function. In summary, the available evidence is currently insufficient to determine the role of this variant in disease. Therefore, it has been classified as a Variant of Uncertain Significance.

Color Diagnostics, LLC DBA Color Health
Classification: Likely benign for Cardiomyopathy. Last evaluated: 2024-08-30. Review status: criteria provided, single submitter. Criteria: ACMG Guidelines, 2015. Collection method: clinical testing. Allele origin: germline.

CHEO Genetics Diagnostic Laboratory, Children's Hospital of Eastern Ontario
Classification: Uncertain significance for Cardiomyopathy. Last evaluated: 2020-09-30. Review status: criteria provided, single submitter. Criteria: ACMG Guidelines, 2015. Collection method: clinical testing. Allele origin: germline.